The following is an entry in ClinVar:

ClinVar aggregate classification (germline): Likely benign. Review status: criteria provided, multiple submitters, no conflicts (2 of 4 stars). 6 submissions from 6 submitters: Likely benign (4). 2 of the submissions do not count toward it. Last evaluated 2025-11-18.

Conditions:
Cardiovascular phenotype. Identifiers: MedGen CN230736.
Dilated cardiomyopathy 1O (CMD1O). Also called: CARDIOMYOPATHY, DILATED, WITH VENTRICULAR TACHYCARDIA. Identifiers: Orphanet 154, MedGen C1837839, MONDO:0012062, OMIM 608569.

Allele frequency attached by ClinVar (database versions not stated): TOPMed 0.00004; gnomAD 0.00005; ExAC 0.00006; gnomAD exomes 0.00007; ESP Exome Variant Server 0.00008.
gnomAD v4.1: 108 of 1,611,590 alleles (0.0067%); highest among the groups gnomAD compares: Middle Eastern, 0.049%; no homozygotes.

Submissions (6):

Labcorp Genetics (formerly Invitae), Labcorp
Classification: Likely benign for Dilated cardiomyopathy 1O. Last evaluated: 2025-11-18. Review status: criteria provided, single submitter. Criteria: Invitae Variant Classification Sherloc (09022015). Collection method: clinical testing. Allele origin: germline.

Blueprint Genetics
Classification: Likely benign. Last evaluated: 2024-10-23. Review status: criteria provided, single submitter. Criteria: ACMG Guidelines, 2015. Collection method: clinical testing. Allele origin: germline.

Ambry Genetics
Classification: Likely benign for Cardiovascular phenotype. Last evaluated: 2021-02-03. Review status: criteria provided, single submitter. Criteria: Ambry Variant Classification Scheme 2023. Collection method: clinical testing. Allele origin: germline.

GeneDx
Classification: Likely benign. Last evaluated: 2018-12-20. Review status: criteria provided, single submitter. Criteria: GeneDx Variant Classification Process June 2021. Collection method: clinical testing. Allele origin: germline. Affected: yes.
Comment: This variant is associated with the following publications: (PMID: 26656175, 30847666)

Clinical Genetics DNA and cytogenetics Diagnostics Lab, Erasmus MC, Erasmus Medical Center
Classification: Likely benign. Review status: no assertion criteria provided. Collection method: clinical testing. Allele origin: germline. Affected: yes. Study: VKGL Data-share Consensus. Not counted in ClinVar's aggregate classification.

Clinical Genetics, Academic Medical Center
Classification: Likely benign. Review status: no assertion criteria provided. Collection method: clinical testing. Allele origin: germline. Affected: yes. Study: VKGL Data-share Consensus. Not counted in ClinVar's aggregate classification.

Literature cited by the submitters: PubMed 30847666 (cited by Ambry Genetics).

NM_020297.4(ABCC9):c.2867-5T>C

Gene: ABCC9 (ATP binding cassette subfamily C member 9; minus strand). Cytogenetic location: 12p12.1.
Variant type: single nucleotide variant.
Coding change: c.2867-5T>C on transcript NM_020297.4 (MANE Select); 5 bases into the intron before coding-DNA position 2867, T replaced by C.
Molecular consequence: intron variant.
Genome position (GRCh38, 1-based): chr12:21,845,837, A>G on the plus strand (T>C on the coding strand, the complement: ABCC9 is on the minus strand). VCF-style: chr12-21845837-A-G. GRCh37 (hg19) VCF-style: chr12-21998771-A-G.
Other names: c.2000-5T>C (NM_001377274.1); c.2867-5T>C (NM_005691.4, NM_001377273.1).
Identifiers: ClinVar variation 513648 (VCV000513648.19), dbSNP rs369841241, ClinGen allele CA6481244.